The following is an entry in ClinVar:

ClinVar aggregate classification (germline): Uncertain significance. Review status: criteria provided, multiple submitters, no conflicts (2 of 4 stars). 3 submissions from 3 submitters: Uncertain significance (3). Last evaluated 2025-11-03.

Conditions:
Mitochondrial complex II deficiency, nuclear type 1. Also called: SUCCINATE CoQ REDUCTASE DEFICIENCY. Identifiers: Orphanet 3208, MedGen C5700310, MONDO:0100294, OMIM 252011.
Pheochromocytoma/paraganglioma syndrome 5. Also called: Paragangliomas 5; SDHA-Related Hereditary Paraganglioma-Pheochromocytoma Syndrome. Identifiers: Orphanet 29072, MedGen C3279992, MONDO:0013602, OMIM 614165.
Hereditary cancer-predisposing syndrome. Also called: Neoplastic Syndromes, Hereditary; Hereditary Cancer Syndrome; Hereditary neoplastic syndrome; Tumor predisposition. Identifiers: Orphanet 140162, MedGen C0027672, MeSH D009386, MONDO:0015356.

Allele frequency attached by ClinVar (database versions not stated): gnomAD exomes below 0.00001 and 0.00001; gnomAD 0.00001; TOPMed 0.00003.
gnomAD v4.1: 7 of 1,604,646 alleles (0.00044%); highest among the groups gnomAD compares: Admixed American, 0.0033%; no homozygotes.

Submissions (3):

Ambry Genetics
Classification: Uncertain significance for Hereditary cancer-predisposing syndrome. Last evaluated: 2025-11-03. Review status: criteria provided, single submitter. Criteria: Ambry Variant Classification Scheme 2023. Collection method: clinical testing. Allele origin: germline.
Comment: The p.I484V variant (also known as c.1450A>G), located in coding exon 11 of the SDHA gene, results from an A to G substitution at nucleotide position 1450. The isoleucine at codon 484 is replaced by valine, an amino acid with highly similar properties. This amino acid position is well conserved in available vertebrate species. In addition, this alteration is predicted to be tolerated by in silico analysis. Since supporting evidence is limited at this time, the clinical significance of this alteration remains unclear.

Labcorp Genetics (formerly Invitae), Labcorp
Classification: Uncertain significance for Pheochromocytoma/paraganglioma syndrome 5; Mitochondrial complex II deficiency, nuclear type 1. Last evaluated: 2025-09-19. Review status: criteria provided, single submitter. Criteria: Invitae Variant Classification Sherloc (09022015). Collection method: clinical testing. Allele origin: germline.
Comment: This sequence change replaces isoleucine, which is neutral and non-polar, with valine, which is neutral and non-polar, at codon 484 of the SDHA protein (p.Ile484Val). This variant is present in population databases (no rsID available, gnomAD 0.008%). This variant has not been reported in the literature in individuals affected with SDHA-related conditions. ClinVar contains an entry for this variant (Variation ID: 472333). Invitae Evidence Modeling of protein sequence and biophysical properties (such as structural, functional, and spatial information, amino acid conservation, physicochemical variation, residue mobility, and thermodynamic stability) indicates that this missense variant is not expected to disrupt SDHA protein function with a negative predictive value of 95%. In summary, the available evidence is currently insufficient to determine the role of this variant in disease. Therefore, it has been classified as a Variant of Uncertain Significance.

GeneDx
Classification: Uncertain significance. Last evaluated: 2024-01-05. Review status: criteria provided, single submitter. Criteria: GeneDx Variant Classification Process June 2021. Collection method: clinical testing. Allele origin: germline. Affected: yes.
Comment: Not observed at significant frequency in large population cohorts (gnomAD); In silico analysis supports that this missense variant does not alter protein structure/function; Has not been previously published as pathogenic or benign to our knowledge

NM_004168.4(SDHA):c.1450A>G (p.Ile484Val)

Gene: SDHA (succinate dehydrogenase complex flavoprotein subunit A; plus strand). Cytogenetic location: 5p15.33.
Variant type: single nucleotide variant.
Coding change: c.1450A>G on transcript NM_004168.4 (MANE Select); coding-DNA position 1450, A replaced by G.
Protein change: p.Ile484Val; replaces isoleucine 484 with valine.
Molecular consequence: missense variant.
Genome position (GRCh38, 1-based): chr5:240,375, A>G. VCF-style: chr5-240375-A-G. GRCh37 (hg19) VCF-style: chr5-240490-A-G.
Other names: c.1306A>G, p.Ile436Val (NM_001294332.2); c.1450A>G, p.Ile484Val (NM_001330758.2); short protein forms I484V, I436V.
Identifiers: ClinVar variation 472333 (VCV000472333.17), dbSNP rs1224049828, ClinGen allele CA359014191.